The following is an entry in ClinVar:

NM_005633.4(SOS1):c.3884G>A (p.Arg1295Gln)

Gene: SOS1 (SOS Ras/Rac guanine nucleotide exchange factor 1; minus strand). Cytogenetic location: 2p22.1.
Variant type: single nucleotide variant.
Coding change: c.3884G>A on transcript NM_005633.4 (MANE Select); coding-DNA position 3884, G replaced by A.
Protein change: p.Arg1295Gln; replaces arginine 1295 with glutamine.
Molecular consequence: missense variant.
Genome position (GRCh38, 1-based): chr2:38,985,942, C>T on the plus strand (G>A on the coding strand, the complement: SOS1 is on the minus strand). VCF-style: chr2-38985942-C-T. GRCh37 (hg19) VCF-style: chr2-39213083-C-T.
Other names: c.3863G>A, p.Arg1288Gln (NM_001382394.1); c.3839G>A, p.Arg1280Gln (NM_001382395.1); short protein forms R1288Q, R1295Q, R1280Q.
Identifiers: ClinVar variation 935941 (VCV000935941.9), dbSNP rs1668542997, ClinGen allele CA346362120.
Genomic context (GRCh38, chr2:38,985,942, plus strand): 5'-GTGTGCTCCCTTTTGTAAGTTTTTGGAGGGAGTTTAGGGATATGTTGAGAAGTGCTTTGT[C>T]GTGGAGGAACAGGCGGCCCAGCAATGGAATGAAGGTCCACTTCTTGTGTCAATGGTGGTG-3'
Protein context (NP_005624.2, residues 1285-1305): HSIAGPPVPP[Arg1295Gln]QSTSQHIPKL

ClinVar aggregate classification (germline): Uncertain significance (1 of 4 stars; one submission).

Conditions:
RASopathy. Also called: Noonan spectrum disorder; rasopathies. Identifiers: Orphanet 536391, MedGen C5555857, MONDO:0021060.

Allele frequency attached by ClinVar (database versions not stated): gnomAD exomes below 0.00001; TOPMed below 0.00001; gnomAD 0.00001.
gnomAD v4.1: 4 of 1,613,748 alleles (0.00025%); highest among the groups gnomAD compares: South Asian, 0.0011%; no homozygotes.

Submission:

Labcorp Genetics (formerly Invitae), Labcorp
Classification: Uncertain significance for RASopathy. Last evaluated: 2025-11-22. Review status: criteria provided, single submitter. Criteria: Invitae Variant Classification Sherloc (09022015). Collection method: clinical testing. Allele origin: germline.
Comment: This sequence change replaces arginine, which is basic and polar, with glutamine, which is neutral and polar, at codon 1295 of the SOS1 protein (p.Arg1295Gln). This variant is not present in population databases (gnomAD no frequency). This variant has not been reported in the literature in individuals affected with SOS1-related conditions. ClinVar contains an entry for this variant (Variation ID: 935941). Invitae Evidence Modeling of protein sequence and biophysical properties (such as structural, functional, and spatial information, amino acid conservation, physicochemical variation, residue mobility, and thermodynamic stability) indicates that this missense variant is not expected to disrupt SOS1 protein function with a negative predictive value of 95%. In summary, the available evidence is currently insufficient to determine the role of this variant in disease. Therefore, it has been classified as a Variant of Uncertain Significance.